The following is an entry in ClinVar:

ClinVar aggregate classification (germline): Uncertain significance (1 of 4 stars; one submission).

Conditions:
Melanoma, cutaneous malignant, susceptibility to, 5. Also called: Cutaneous malignant melanoma 5. Identifiers: Orphanet 618, MedGen C2751295, MONDO:0013133, OMIM 613099.

Submission:

Labcorp Genetics (formerly Invitae), Labcorp
Classification: Uncertain significance for Melanoma, cutaneous malignant, susceptibility to, 5. Last evaluated: 2024-07-25. Review status: criteria provided, single submitter. Criteria: Invitae Variant Classification Sherloc (09022015). Collection method: clinical testing. Allele origin: germline.
Comment: This sequence change affects codon 77 of the MC1R mRNA. It is a 'silent' change, meaning that it does not change the encoded amino acid sequence of the MC1R protein. This variant is not present in population databases (gnomAD no frequency). This variant has not been reported in the literature in individuals affected with MC1R-related conditions. In summary, the available evidence is currently insufficient to determine the role of this variant in disease. Therefore, it has been classified as a Variant of Uncertain Significance.

NM_002386.4(MC1R):c.231C>T (p.Ile77=)

Gene: MC1R (melanocortin 1 receptor; plus strand). Cytogenetic location: 16q24.3.
Variant type: single nucleotide variant.
Coding change: c.231C>T on transcript NM_002386.4 (MANE Select); coding-DNA position 231, C replaced by T.
Protein change: p.Ile77=; no amino-acid change (isoleucine 77 retained).
Molecular consequence: synonymous variant.
Genome position (GRCh38, 1-based): chr16:89,919,489, C>T. VCF-style: chr16-89919489-C-T. GRCh37 (hg19) VCF-style: chr16-89985897-C-T.
Identifiers: ClinVar variation 3655128 (VCV003655128.2).